The following is an entry in ClinVar:

ClinVar aggregate classification (germline): Conflicting classifications of pathogenicity. Review status: criteria provided, conflicting classifications (1 of 4 stars). 3 submissions from 3 submitters: Uncertain significance (1); Likely benign (1). 1 of the submissions does not count toward it. Last evaluated 2024-01-18.

Conditions:
RERE-related disorder. Also called: RERE-Related Disorders; RERE-related condition. Identifiers: MedGen CN381537.

Allele frequency attached by ClinVar (database versions not stated): gnomAD 0.00001; gnomAD exomes 0.00001 and 0.00002; TOPMed 0.00001; ExAC 0.00002.
gnomAD v4.1: 10 of 1,567,518 alleles (0.00064%); highest among the groups gnomAD compares: Non-Finnish European, 0.00088%; no homozygotes.

Submissions (3):

Blueprint Genetics
Classification: Likely benign. Last evaluated: 2024-01-18. Review status: criteria provided, single submitter. Criteria: ACMG Guidelines, 2015. Collection method: clinical testing. Allele origin: germline.

Labcorp Genetics (formerly Invitae), Labcorp
Classification: Uncertain significance. Last evaluated: 2022-09-13. Review status: criteria provided, single submitter. Criteria: Invitae Variant Classification Sherloc (09022015). Collection method: clinical testing. Allele origin: germline.
Comment: In summary, the available evidence is currently insufficient to determine the role of this variant in disease. Therefore, it has been classified as a Variant of Uncertain Significance. Variants that disrupt the consensus splice site are a relatively common cause of aberrant splicing (PMID: 17576681, 9536098). Algorithms developed to predict the effect of sequence changes on RNA splicing suggest that this variant is not likely to affect RNA splicing. ClinVar contains an entry for this variant (Variation ID: 1497851). This variant has not been reported in the literature in individuals affected with RERE-related conditions. This variant is present in population databases (rs775442315, gnomAD 0.004%). This sequence change falls in intron 7 of the RERE gene. It does not directly change the encoded amino acid sequence of the RERE protein. It affects a nucleotide within the consensus splice site.

PreventionGenetics, part of Exact Sciences
Classification: Likely benign for RERE-related condition. Last evaluated: 2022-02-09. Review status: no assertion criteria provided. Collection method: clinical testing. Allele origin: germline. Not counted in ClinVar's aggregate classification.
Comment: This variant is classified as likely benign based on ACMG/AMP sequence variant interpretation guidelines (Richards et al. 2015 PMID: 25741868, with internal and published modifications).

Literature cited by the submitters: PubMed 17576681 (cited by Labcorp Genetics (formerly Invitae), Labcorp); PubMed 9536098 (cited by Labcorp Genetics (formerly Invitae), Labcorp).

NM_001042681.2(RERE):c.725+3A>G

Gene: RERE (arginine-glutamic acid dipeptide repeats; minus strand). Cytogenetic location: 1p36.23.
Variant type: single nucleotide variant.
Coding change: c.725+3A>G on transcript NM_001042681.2 (MANE Select); 3 bases into the intron after coding-DNA position 725, A replaced by G.
Molecular consequence: intron variant.
Genome position (GRCh38, 1-based): chr1:8,556,472, T>C on the plus strand (A>G on the coding strand, the complement: RERE is on the minus strand). VCF-style: chr1-8556472-T-C. GRCh37 (hg19) VCF-style: chr1-8616531-T-C.
Other names: c.725+3A>G (NM_012102.3, NM_012102.4).
Identifiers: ClinVar variation 1497851 (VCV001497851.9), dbSNP rs775442315, ClinGen allele CA572034.